The following is an entry in ClinVar:

NM_000089.4(COL1A2):c.3443C>T (p.Thr1148Ile)

Gene: COL1A2 (collagen type I alpha 2 chain; plus strand). Cytogenetic location: 7q21.3.
Variant type: single nucleotide variant.
Coding change: c.3443C>T on transcript NM_000089.4 (MANE Select); coding-DNA position 3443, C replaced by T.
Protein change: p.Thr1148Ile; replaces threonine 1148 with isoleucine.
Molecular consequence: missense variant.
Genome position (GRCh38, 1-based): chr7:94,427,802, C>T. VCF-style: chr7-94427802-C-T. GRCh37 (hg19) VCF-style: chr7-94057114-C-T.
Other names: short protein forms T1148I.
Identifiers: ClinVar variation 2948732 (VCV002948732.4), dbSNP rs768437760, ClinGen allele CA368225981.
Genomic context (GRCh38, chr7:94,427,802, plus strand): 5'-TCAGACCCAAGGACTATGAAGTTGATGCTACTCTGAAGTCTCTCAACAACCAGATTGAGA[C>T]CCTTCTTACTCCTGAAGGCTCTAGAAAGAACCCAGCTCGCACATGCCGTGACTTGAGACT-3'
Protein context (NP_000080.2, residues 1138-1158): TLKSLNNQIE[Thr1148Ile]LLTPEGSRKN

ClinVar aggregate classification (germline): Uncertain significance. Review status: criteria provided, multiple submitters, no conflicts (2 of 4 stars). 2 submissions from 2 submitters: Uncertain significance (2). Last evaluated 2025-07-23.

Conditions:
Cardiovascular phenotype. Identifiers: MedGen CN230736.
Osteogenesis imperfecta type I (OI1). Also called: Lobstein disease; OI, TYPE I; OSTEOGENESIS IMPERFECTA TARDA; OSTEOGENESIS IMPERFECTA WITH BLUE SCLERAE; Osteogenesis imperfecta type 1; Lobstein's Disease. Identifiers: Orphanet 216796, Orphanet 666, MedGen C0023931, MONDO:0008146, OMIM 166200. Disease mechanism: loss of function.
Ehlers-Danlos syndrome, classic type, 1 (EDSCL1). Also called: EDS I; EHLERS-DANLOS SYNDROME, GRAVIS TYPE; EHLERS-DANLOS SYNDROME, SEVERE CLASSIC TYPE; Ehlers-Danlos syndrome, type 1; Ehlers-Danlos Syndrome, Classic Type, COL5A1-Related. Identifiers: MedGen C0268335, MONDO:0019567, OMIM 130000.

gnomAD v4.1: 2 of 1,613,984 alleles (0.00012%); highest among the groups gnomAD compares: Non-Finnish European, 0.00017%; no homozygotes.

Submissions (2):

Ambry Genetics
Classification: Uncertain significance for Cardiovascular phenotype. Last evaluated: 2025-07-23. Review status: criteria provided, single submitter. Criteria: Ambry Variant Classification Scheme 2023. Collection method: clinical testing. Allele origin: germline.
Comment: The p.T1148I variant (also known as c.3443C>T), located in coding exon 49 of the COL1A2 gene, results from a C to T substitution at nucleotide position 3443. The threonine at codon 1148 is replaced by isoleucine, an amino acid with similar properties. This amino acid position is not well conserved in available vertebrate species. In addition, this alteration is predicted to be deleterious by in silico analysis. Based on the available evidence, the clinical significance of this variant remains unclear.

Labcorp Genetics (formerly Invitae), Labcorp
Classification: Uncertain significance for Osteogenesis imperfecta type I; Ehlers-Danlos syndrome, classic type, 1. Last evaluated: 2023-06-10. Review status: criteria provided, single submitter. Criteria: Invitae Variant Classification Sherloc (09022015). Collection method: clinical testing. Allele origin: germline.
Comment: Advanced modeling of protein sequence and biophysical properties (such as structural, functional, and spatial information, amino acid conservation, physicochemical variation, residue mobility, and thermodynamic stability) performed at Invitae indicates that this missense variant is not expected to disrupt COL1A2 protein function. This variant has not been reported in the literature in individuals affected with COL1A2-related conditions. This variant is not present in population databases (gnomAD no frequency). This sequence change replaces threonine, which is neutral and polar, with isoleucine, which is neutral and non-polar, at codon 1148 of the COL1A2 protein (p.Thr1148Ile). In summary, the available evidence is currently insufficient to determine the role of this variant in disease. Therefore, it has been classified as a Variant of Uncertain Significance.